The following is an entry in ClinVar:

ClinVar aggregate classification (germline): Uncertain significance. Review status: criteria provided, multiple submitters, no conflicts (2 of 4 stars). 6 submissions from 6 submitters: Uncertain significance (6). Last evaluated 2026-04-01.

Conditions:
ACTN2-related disorder. Also called: ACTN2-related disorders; ACTN2 related condition.
Cardiovascular phenotype. Identifiers: MedGen CN230736.
Dilated cardiomyopathy 1AA (CMD1AA). Also called: CARDIOMYOPATHY, DILATED, 1AA, WITH OR WITHOUT LEFT VENTRICULAR NONCOMPACTION; CARDIOMYOPATHY, FAMILIAL HYPERTROPHIC, 23, WITH OR WITHOUT LEFT VENTRICULAR NONCOMPACTION; Cardiomyopathy, dilated, 1AA, with or without LVNC. Identifiers: Orphanet 154, MedGen C2677338, MONDO:0012808, OMIM 612158.
Primary familial hypertrophic cardiomyopathy (HCM). Identifiers: Orphanet 99739, MedGen C0949658, MeSH D024741, MONDO:0024573. Inheritance: Various modes of inheritance.

Allele frequency attached by ClinVar (database versions not stated): ExAC 0.00001; gnomAD exomes 0.00001; gnomAD 0.00003; TOPMed 0.00004.
gnomAD v4.1: 52 of 1,613,970 alleles (0.0032%); highest among the groups gnomAD compares: East Asian, 0.0045%; no homozygotes.

Submissions (6):

PreventionGenetics, part of Exact Sciences
Classification: Uncertain significance for ACTN2-related condition. Last evaluated: 2026-04-01. Review status: criteria provided, single submitter. Criteria: ACMG Guidelines, 2015. Collection method: clinical testing. Allele origin: germline.
Comment: The ACTN2 c.1919G>A variant is predicted to result in the amino acid substitution p.Arg640His. This variant has been reported as a variant of uncertain significance in a cohort study of individuals with dilated cardiomyopathy (Supplementary Table 1, Mohananey et  al.  2023. PubMed ID: 36472615). This variant is reported in 0.0054% of alleles in individuals of East Asian descent in gnomAD. At this time, the clinical significance of this variant is uncertain due to the absence of conclusive functional and genetic evidence.

Labcorp Genetics (formerly Invitae), Labcorp
Classification: Uncertain significance for Primary familial hypertrophic cardiomyopathy; Dilated cardiomyopathy 1AA. Last evaluated: 2025-11-28. Review status: criteria provided, single submitter. Criteria: Invitae Variant Classification Sherloc (09022015). Collection method: clinical testing. Allele origin: germline.
Comment: This sequence change replaces arginine, which is basic and polar, with histidine, which is basic and polar, at codon 640 of the ACTN2 protein (p.Arg640His). This variant is present in population databases (rs772909106, gnomAD 0.006%). This variant has not been reported in the literature in individuals affected with ACTN2-related conditions. ClinVar contains an entry for this variant (Variation ID: 201644). Invitae Evidence Modeling of protein sequence and biophysical properties (such as structural, functional, and spatial information, amino acid conservation, physicochemical variation, residue mobility, and thermodynamic stability) indicates that this missense variant is not expected to disrupt ACTN2 protein function with a negative predictive value of 80%. In summary, the available evidence is currently insufficient to determine the role of this variant in disease. Therefore, it has been classified as a Variant of Uncertain Significance.

GeneDx
Classification: Uncertain significance. Last evaluated: 2025-10-29. Review status: criteria provided, single submitter. Criteria: GeneDx Variant Classification Process June 2021. Collection method: clinical testing. Allele origin: germline. Affected: yes.
Comment: Not observed at significant frequency in large population cohorts (gnomAD); In silico analysis supports that this missense variant has a deleterious effect on protein structure/function; Has not been previously published in association with an ACTN2-related phenotype to our knowledge; This variant is associated with the following publications: (PMID: 33057194, 35982159)

Ambry Genetics
Classification: Uncertain significance for Cardiovascular phenotype. Last evaluated: 2023-04-27. Review status: criteria provided, single submitter. Criteria: Ambry Variant Classification Scheme 2023. Collection method: clinical testing. Allele origin: germline.
Comment: The p.R640H variant (also known as c.1919G>A), located in coding exon 16 of the ACTN2 gene, results from a G to A substitution at nucleotide position 1919. The arginine at codon 640 is replaced by histidine, an amino acid with highly similar properties. This amino acid position is highly conserved in available vertebrate species. In addition, the in silico prediction for this alteration is inconclusive. Since supporting evidence is limited at this time, the clinical significance of this alteration remains unclear.

Blueprint Genetics
Classification: Uncertain significance. Last evaluated: 2023-01-24. Review status: criteria provided, single submitter. Criteria: ACMG Guidelines, 2015. Collection method: clinical testing. Allele origin: germline.

Revvity Omics, Revvity
Classification: Uncertain significance. Last evaluated: 2021-05-03. Review status: criteria provided, single submitter. Criteria: ACMG Guidelines, 2015. Collection method: clinical testing. Allele origin: germline.

NM_001103.4(ACTN2):c.1919G>A (p.Arg640His)

Gene: ACTN2 (actinin alpha 2; plus strand). Cytogenetic location: 1q43.
Variant type: single nucleotide variant.
Coding change: c.1919G>A on transcript NM_001103.4 (MANE Select); coding-DNA position 1919, G replaced by A.
Protein change: p.Arg640His; replaces arginine 640 with histidine.
Molecular consequence: missense variant.
Genome position (GRCh38, 1-based): chr1:236,754,026, G>A. VCF-style: chr1-236754026-G-A. GRCh37 (hg19) VCF-style: chr1-236917326-G-A.
Other names: p.R640H:CGC>CAC; c.1919G>A, p.Arg640His (NM_001278343.2); c.1295G>A, p.Arg432His (NM_001278344.2); short protein forms R640H, R432H.
Identifiers: ClinVar variation 201644 (VCV000201644.23), dbSNP rs772909106, ClinGen allele CA335037.